The following is an entry in ClinVar:

ClinVar aggregate classification (germline): Likely pathogenic (1 of 4 stars; one submission).

Conditions:
Cardiovascular phenotype. Identifiers: MedGen CN230736.

Submission:

Molecular Diagnostic Laboratory for Inherited Cardiovascular Disease, Montreal Heart Institute
Classification: Likely pathogenic for Cardiovascular phenotype. Last evaluated: 2024-09-20. Review status: criteria provided, single submitter. Criteria: ACMG Guidelines, 2015. Collection method: clinical testing. Allele origin: germline. Affected: yes.
Comment: PVS1, PM2

NM_001267550.2(TTN):c.43595del (p.Asn14532fs)

Gene: TTN (titin; minus strand). Cytogenetic location: 2q31.2.
Variant type: Deletion.
Coding change: c.43595del on transcript NM_001267550.2 (MANE Select); coding-DNA position 43595, one base deleted (A; older notation c.43595delA).
Protein change: p.Asn14532fs; shifts the reading frame from asparagine 14532.
Molecular consequence: frameshift variant.
Genome position (GRCh38, 1-based): chr2:178,632,299, T deleted on the plus strand (A on the coding strand, the reverse complement: TTN is on the minus strand); the first of 2 consecutive T bases (chr2:178,632,299-178,632,300); deleting either gives the same sequence. VCF-style (leftmost placement, unchanged base first): chr2-178632298-AT-A. GRCh37 (hg19) VCF-style: chr2-179497025-AT-A.
Other names: c.38672del, p.Asn12891fs (NM_001256850.1); c.16400del, p.Asn5467fs (NM_003319.4); c.35891del, p.Asn11964fs (NM_133378.4); c.16775del, p.Asn5592fs (NM_133432.3); c.16976del, p.Asn5659fs (NM_133437.4); short protein forms N11964fs, N12891fs, N14532fs, N5467fs, N5592fs, N5659fs.
Identifiers: ClinVar variation 3894824 (VCV003894824.1).